The following is an entry in ClinVar:

NM_000368.5(TSC1):c.2131C>T (p.Gln711Ter)

Gene: TSC1 (TSC complex subunit 1; minus strand). Cytogenetic location: 9q34.13.
Variant type: single nucleotide variant.
Coding change: c.2131C>T on transcript NM_000368.5 (MANE Select); coding-DNA position 2131, C replaced by T.
Protein change: p.Gln711Ter; replaces glutamine 711 with a stop codon.
Molecular consequence: nonsense.
Genome position (GRCh38, 1-based): chr9:132,903,728, G>A on the plus strand (C>T on the coding strand, the complement: TSC1 is on the minus strand). VCF-style: chr9-132903728-G-A. GRCh37 (hg19) VCF-style: chr9-135779115-G-A.
Other names: c.2128C>T, p.Gln710Ter (NM_001162426.2); c.1978C>T, p.Gln660Ter (NM_001162427.2); c.1768C>T, p.Gln590Ter (NM_001362177.2); short protein forms Q711*, Q710*, Q590*, Q660*.
Identifiers: ClinVar variation 48907 (VCV000048907.7), dbSNP rs118203647, ClinGen allele CA006063.

ClinVar aggregate classification (germline): Pathogenic. Review status: criteria provided, single submitter (1 of 4 stars). 2 submissions from 2 submitters: Pathogenic (1). 1 of the submissions does not count toward it. Last evaluated 2025-06-23.

Conditions:
Tuberous sclerosis syndrome (TSC). Also called: Tuberous Sclerosis Complex; Tuberous sclerosis. Identifiers: Orphanet 805, MedGen C0041341, MONDO:0001734.
Tuberous sclerosis 1 (TSC1). Identifiers: Orphanet 805, MedGen C1854465, MONDO:0008612, OMIM 191100.

Submissions (2):

Labcorp Genetics (formerly Invitae), Labcorp
Classification: Pathogenic for Tuberous sclerosis 1. Last evaluated: 2025-06-23. Review status: criteria provided, single submitter. Criteria: Invitae Variant Classification Sherloc (09022015). Collection method: clinical testing. Allele origin: germline.
Comment: This sequence change creates a premature translational stop signal (p.Gln711*) in the TSC1 gene. It is expected to result in an absent or disrupted protein product. Loss-of-function variants in TSC1 are known to be pathogenic (PMID: 10227394, 17304050). This variant is not present in population databases (gnomAD no frequency). This variant has not been reported in the literature in individuals affected with TSC1-related conditions. ClinVar contains an entry for this variant (Variation ID: 48907). For these reasons, this variant has been classified as Pathogenic.

Tuberous sclerosis database (TSC1)
No classification provided. Condition: TSC. Review status: no classification provided. Criteria: Tuberous Sclerosis Database Assertion Criteria 2015. Collection method: curation. Allele origin: germline. Affected: yes. Not counted in ClinVar's aggregate classification.

Literature cited by the submitters: PubMed 10227394 (cited by Labcorp Genetics (formerly Invitae), Labcorp); PubMed 17304050 (cited by Labcorp Genetics (formerly Invitae), Labcorp).